The following is an entry in ClinVar:

NM_014634.4(PPM1F):c.1024G>A (p.Asp342Asn)

Gene: PPM1F (protein phosphatase, Mg2+/Mn2+ dependent 1F; minus strand). Cytogenetic location: 22q11.22.
Variant type: single nucleotide variant.
Coding change: c.1024G>A on transcript NM_014634.4 (MANE Select); coding-DNA position 1024, G replaced by A.
Protein change: p.Asp342Asn; replaces aspartic acid 342 with asparagine.
Molecular consequence: missense variant.
Genome position (GRCh38, 1-based): chr22:21,923,433, C>T on the plus strand (G>A on the coding strand, the complement: PPM1F is on the minus strand). VCF-style: chr22-21923433-C-T. GRCh37 (hg19) VCF-style: chr22-22277806-C-T.
Other names: c.520G>A, p.Asp174Asn (NM_001410836.1); short protein forms D342N, D174N.
Identifiers: ClinVar variation 2874553 (VCV002874553.3), dbSNP rs1443956182, ClinGen allele CA410828900.

ClinVar aggregate classification (germline): Uncertain significance (1 of 4 stars; one submission).

Allele frequency attached by ClinVar (database versions not stated): gnomAD exomes 0.00001; TOPMed 0.00001.
gnomAD v4.1: 8 of 1,612,562 alleles (0.0005%); highest among the groups gnomAD compares: Admixed American, 0.0017%; no homozygotes.

Submission:

Labcorp Genetics (formerly Invitae), Labcorp
Classification: Uncertain significance. Last evaluated: 2023-08-14. Review status: criteria provided, single submitter. Criteria: Invitae Variant Classification Sherloc (09022015). Collection method: clinical testing. Allele origin: germline.
Comment: In summary, the available evidence is currently insufficient to determine the role of this variant in disease. Therefore, it has been classified as a Variant of Uncertain Significance. This sequence change replaces aspartic acid, which is acidic and polar, with asparagine, which is neutral and polar, at codon 342 of the PPM1F protein (p.Asp342Asn). This variant is present in population databases (no rsID available, gnomAD 0.003%). This variant has not been reported in the literature in individuals affected with PPM1F-related conditions. An algorithm developed to predict the effect of missense changes on protein structure and function (PolyPhen-2) suggests that this variant is likely to be disruptive.